The following is an entry in ClinVar:

ClinVar aggregate classification (germline): Conflicting classifications of pathogenicity. Review status: criteria provided, conflicting classifications (1 of 4 stars). 4 submissions from 4 submitters: Likely pathogenic (1); Uncertain significance (3). Last evaluated 2025-06-16.

Conditions:
Retinitis pigmentosa (RP). Identifiers: Orphanet 791, MedGen C0035334, MeSH D012174, MONDO:0019200, OMIM 268000. Inheritance: Autosomal dominant, autosomal recessive and X linked inheritance.
Retinitis pigmentosa 49 (RP49). Identifiers: Orphanet 791, MedGen C3151059, MONDO:0013405, OMIM 613756.
CNGA1-related disorder. Also called: CNGA1-related condition.

Allele frequency attached by ClinVar (database versions not stated): ExAC 0.00001; gnomAD exomes 0.00001; TOPMed 0.00002.
gnomAD v4.1: 45 of 1,614,098 alleles (0.0028%); highest among the groups gnomAD compares: Non-Finnish European, 0.0036%; no homozygotes.

Submissions (4):

PreventionGenetics, part of Exact Sciences
Classification: Uncertain significance for CNGA1-related condition. Last evaluated: 2025-06-16. Review status: criteria provided, single submitter. Criteria: ACMG Guidelines, 2015. Collection method: clinical testing. Allele origin: germline.
Comment: The CNGA1 c.1910T>G variant is predicted to result in the amino acid substitution p.Leu637Arg. This variant has been reported in the compound heterozygous state or along with a causative CNGA1 variant (phase unknown) in two individuals with retinitis pigmentosa (StoneRounds Case: SR1856. 2022., doi:10.34683/SR1856; Internal Data, PreventionGenetics). This variant is reported in 0.0018% of alleles in individuals of European (Non-Finnish) descent in gnomAD. Although we suspect that this variant may be pathogenic, at this time, the clinical significance of this variant is uncertain due to the absence of conclusive functional and genetic evidence.

Blueprint Genetics
Classification: Likely pathogenic for CNGA1-related disorders. Last evaluated: 2024-03-28. Review status: criteria provided, single submitter. Criteria: ACMG Guidelines, 2015. Collection method: clinical testing. Allele origin: germline. Affected: yes. Observed: 4 variant alleles.

Labcorp Genetics (formerly Invitae), Labcorp
Classification: Uncertain significance. Last evaluated: 2023-09-25. Review status: criteria provided, single submitter. Criteria: Invitae Variant Classification Sherloc (09022015). Collection method: clinical testing. Allele origin: germline.
Comment: This variant is present in population databases (rs756433866, gnomAD 0.002%). This sequence change replaces leucine, which is neutral and non-polar, with arginine, which is basic and polar, at codon 637 of the CNGA1 protein (p.Leu637Arg). This variant has not been reported in the literature in individuals affected with CNGA1-related conditions. In summary, the available evidence is currently insufficient to determine the role of this variant in disease. Therefore, it has been classified as a Variant of Uncertain Significance. An algorithm developed to predict the effect of missense changes on protein structure and function (PolyPhen-2) suggests that this variant is likely to be disruptive. ClinVar contains an entry for this variant (Variation ID: 1020322).

Fulgent Genetics
Classification: Uncertain significance for Retinitis pigmentosa; Retinitis pigmentosa 49. Last evaluated: 2021-09-01. Review status: criteria provided, single submitter. Criteria: ACMG Guidelines, 2015. Collection method: clinical testing. Allele origin: unknown.

NM_001379270.1(CNGA1):c.1898T>G (p.Leu633Arg)

Genes: CNGA1 (cyclic nucleotide gated channel subunit alpha 1; minus strand), LOC101927157 (uncharacterized LOC101927157; plus strand). Cytogenetic location: 4p12.
Variant type: single nucleotide variant.
Coding change: c.1898T>G on transcript NM_001379270.1 (MANE Select); coding-DNA position 1898, T replaced by G.
Protein change: p.Leu633Arg; replaces leucine 633 with arginine.
Molecular consequence: missense variant.
Genome position (GRCh38, 1-based): chr4:47,936,584, A>C on the plus strand (T>G on the coding strand, the complement: CNGA1 is on the minus strand). VCF-style: chr4-47936584-A-C. GRCh37 (hg19) VCF-style: chr4-47938601-A-C.
Other names: c.1898T>G, p.Leu633Arg (NM_000087.5, NM_001142564.2); c.1910T>G (NM_000087.3); short protein forms L633R.
Identifiers: ClinVar variation 1020322 (VCV001020322.9), dbSNP rs756433866, ClinGen allele CA2910998.